The following is an entry in ClinVar:

NM_003737.4(DCHS1):c.6586G>T (p.Asp2196Tyr)

Gene: DCHS1 (dachsous cadherin-related 1; minus strand). Cytogenetic location: 11p15.4.
Variant type: single nucleotide variant.
Coding change: c.6586G>T on transcript NM_003737.4 (MANE Select); coding-DNA position 6586, G replaced by T.
Protein change: p.Asp2196Tyr; replaces aspartic acid 2196 with tyrosine.
Molecular consequence: missense variant.
Genome position (GRCh38, 1-based): chr11:6,626,065, C>A on the plus strand (G>T on the coding strand, the complement: DCHS1 is on the minus strand). VCF-style: chr11-6626065-C-A. GRCh37 (hg19) VCF-style: chr11-6647296-C-A.
Other names: c.6586G>T (NM_003737.2); short protein forms D2196Y.
Identifiers: ClinVar variation 2703462 (VCV002703462.4), dbSNP rs1215321536, ClinGen allele CA379387809.

ClinVar aggregate classification (germline): Uncertain significance. Review status: criteria provided, multiple submitters, no conflicts (2 of 4 stars). 2 submissions from 2 submitters: Uncertain significance (2). Last evaluated 2024-10-16.

Conditions:
Inborn genetic diseases. Identifiers: MedGen C0950123, MeSH D030342.

Allele frequency attached by ClinVar (database versions not stated): gnomAD 0.00001; TOPMed 0.00001.
gnomAD v4.1: 40 of 1,610,094 alleles (0.0025%); highest among the groups gnomAD compares: Non-Finnish European, 0.0033%; no homozygotes.

Submissions (2):

Ambry Genetics
Classification: Uncertain significance for Inborn genetic diseases. Last evaluated: 2024-10-16. Review status: criteria provided, single submitter. Criteria: Ambry Variant Classification Scheme 2023. Collection method: clinical testing. Allele origin: germline.

Labcorp Genetics (formerly Invitae), Labcorp
Classification: Uncertain significance. Last evaluated: 2023-10-25. Review status: criteria provided, single submitter. Criteria: Invitae Variant Classification Sherloc (09022015). Collection method: clinical testing. Allele origin: germline.
Comment: This sequence change replaces aspartic acid, which is acidic and polar, with tyrosine, which is neutral and polar, at codon 2196 of the DCHS1 protein (p.Asp2196Tyr). The frequency data for this variant in the population databases is considered unreliable, as metrics indicate poor data quality at this position in the gnomAD database. This variant has not been reported in the literature in individuals affected with DCHS1-related conditions. Advanced modeling of protein sequence and biophysical properties (such as structural, functional, and spatial information, amino acid conservation, physicochemical variation, residue mobility, and thermodynamic stability) performed at Invitae indicates that this missense variant is not expected to disrupt DCHS1 protein function with a negative predictive value of 80%. In summary, the available evidence is currently insufficient to determine the role of this variant in disease. Therefore, it has been classified as a Variant of Uncertain Significance.